The following is an entry in ClinVar:

NM_002693.3(POLG):c.3671T>C (p.Ile1224Thr)

Genes: FANCI (FA complementation group I; plus strand), POLG (DNA polymerase gamma, catalytic subunit; minus strand). Cytogenetic location: 15q26.1.
Variant type: single nucleotide variant.
Coding change: c.3671T>C on transcript NM_002693.3 (MANE Select); coding-DNA position 3671, T replaced by C.
Protein change: p.Ile1224Thr; replaces isoleucine 1224 with threonine.
Molecular consequence: missense variant. On other transcripts: 3 prime UTR variant (4).
Genome position (GRCh38, 1-based): chr15:89,316,800, A>G on the plus strand (T>C on the coding strand, the complement: POLG is on the minus strand). VCF-style: chr15-89316800-A-G. GRCh37 (hg19) VCF-style: chr15-89860031-A-G.
Other names: c.3671T>C, p.Ile1224Thr (NM_001126131.2); c.*341A>G (NM_001113378.2, NM_001376910.1, NM_001376911.1 and 1 more transcripts); short protein forms I1224T.
Identifiers: ClinVar variation 449313 (VCV000449313.13), dbSNP rs779072487, ClinGen allele CA7724039.

ClinVar aggregate classification (germline): Uncertain significance. Review status: criteria provided, multiple submitters, no conflicts (2 of 4 stars). 4 submissions from 4 submitters: Uncertain significance (4). Last evaluated 2026-06-15.

Conditions:
POLG-related disorder. Also called: POLG-related condition; POLG-Related Disorders; POLG-Related Spectrum Disorders. Identifiers: MedGen C4763519.
Progressive sclerosing poliodystrophy (MTDPS4A). Also called: Alpers-Huttenlocher Syndrome (AHS); ALPERS PROGRESSIVE INFANTILE POLIODYSTROPHY; NEURONAL DEGENERATION OF CHILDHOOD WITH LIVER DISEASE, PROGRESSIVE; ALPERS DIFFUSE DEGENERATION OF CEREBRAL GRAY MATTER WITH HEPATIC CIRRHOSIS; Alpers-Huttenlocher Syndrome; Alpers Syndrome. Identifiers: Orphanet 726, MedGen C0205710, MONDO:0008758, OMIM 203700.

Allele frequency attached by ClinVar (database versions not stated): gnomAD exomes 0.00001; ExAC 0.00002; gnomAD 0.00002; TOPMed 0.00002.
gnomAD v4.1: 15 of 1,613,834 alleles (0.00093%); highest among the groups gnomAD compares: African/African-American, 0.0027%; no homozygotes.

Submissions (4):

PreventionGenetics, part of Exact Sciences
Classification: Uncertain significance for POLG-related condition. Last evaluated: 2026-06-15. Review status: criteria provided, single submitter. Criteria: ACMG Guidelines, 2015. Collection method: clinical testing. Allele origin: germline.
Comment: The POLG c.3671T>C variant is predicted to result in the amino acid substitution p.Ile1224Thr. This variant was reported in an individual with Alpers syndrome (Tang et al. 2011. PubMed ID: 21880868). This variant is reported in 0.0040% of alleles in individuals of African descent in gnomAD. At this time, the clinical significance of this variant is uncertain due to the absence of conclusive functional and genetic evidence.

Labcorp Genetics (formerly Invitae), Labcorp
Classification: Uncertain significance for Progressive sclerosing poliodystrophy. Last evaluated: 2026-02-03. Review status: criteria provided, single submitter. Criteria: Invitae Variant Classification Sherloc (09022015). Collection method: clinical testing. Allele origin: germline.
Comment: This sequence change replaces isoleucine, which is neutral and non-polar, with threonine, which is neutral and polar, at codon 1224 of the POLG protein (p.Ile1224Thr). This variant is present in population databases (rs779072487, gnomAD 0.004%). This missense change has been observed in individual(s) with Alpers syndrome (PMID: 21880868). ClinVar contains an entry for this variant (Variation ID: 449313). Invitae Evidence Modeling of protein sequence and biophysical properties (such as structural, functional, and spatial information, amino acid conservation, physicochemical variation, residue mobility, and thermodynamic stability) has been performed for this missense variant. However, the output from this modeling did not meet the statistical confidence thresholds required to predict the impact of this variant on POLG protein function. In summary, the available evidence is currently insufficient to determine the role of this variant in disease. Therefore, it has been classified as a Variant of Uncertain Significance.

GeneDx
Classification: Uncertain significance. Last evaluated: 2025-01-30. Review status: criteria provided, single submitter. Criteria: GeneDx Variant Classification Process June 2021. Collection method: clinical testing. Allele origin: germline. Affected: yes.
Comment: Reported previously in a patient with Alpers syndrome; however, no further clinical information was provided and a second variant was not mentioned (PMID: 21880868); Not observed at significant frequency in large population cohorts (gnomAD); In silico analysis supports that this missense variant has a deleterious effect on protein structure/function; This variant is associated with the following publications: (PMID: 31595201, 21880868)

Wong Mito Lab, Molecular and Human Genetics, Baylor College of Medicine
Classification: Uncertain significance for Progressive sclerosing poliodystrophy. Last evaluated: 2018-10-01. Review status: criteria provided, single submitter. Criteria: ACMG Guidelines, 2015. Collection method: clinical testing. Allele origin: germline.
Comment: The NM_002693.2:c.3671T>C (NP_002684.1:p.Ile1224Thr) [GRCH38: NC_000015.10:g.89316800A>G] variant in FANCI gene is interpretated to be a Uncertain Significance based on ACMG guidelines (PMID: 25741868). This variant meets the following evidence codes reported in the ACMG-guideline. PP3:Computational evidence/predictors indicate the variant has deleterious effect on FANCI structure, function, or protein-protein interaction. Based on the evidence criteria codes applied, the variant is suggested to be Uncertain Significance.

Literature cited by the submitters: PubMed 21880868 (cited by Labcorp Genetics (formerly Invitae), Labcorp).